The following is an entry in ClinVar:

NM_004655.4(AXIN2):c.1293C>T (p.Tyr431=)

Gene: AXIN2 (axin 2; minus strand). Cytogenetic location: 17q24.1.
Variant type: single nucleotide variant.
Coding change: c.1293C>T on transcript NM_004655.4 (MANE Select); coding-DNA position 1293, C replaced by T.
Protein change: p.Tyr431=; no amino-acid change (tyrosine 431 retained).
Molecular consequence: synonymous variant.
Genome position (GRCh38, 1-based): chr17:65,537,743, G>A on the plus strand (C>T on the coding strand, the complement: AXIN2 is on the minus strand). VCF-style: chr17-65537743-G-A. GRCh37 (hg19) VCF-style: chr17-63533861-G-A.
Other names: c.1293C>T, p.Tyr431= (NM_001363813.1); c.1293C>T (LRG_296t1).
Identifiers: ClinVar variation 389977 (VCV000389977.20), dbSNP rs552141978, ClinGen allele CA8718682.
Genomic context (GRCh38, chr17:65,537,743, plus strand): 5'-GCCAGGGGTCTTGAGGACCCTGGACAGGTGATCGTCCAGTATCGTCTGCGGGTCTTCCTC[G>A]TAGCTGCCGGAGGGCAGTAGGGAGAGGGGGTGCTGCGTGGGCGCCCCCTCCCGCGAATTG-3'
Protein context (NP_004646.3, residues 421-441): HPLSLLPSGS[Tyr431=]EEDPQTILDD

ClinVar aggregate classification (germline): Benign/Likely benign. Review status: criteria provided, multiple submitters, no conflicts (2 of 4 stars). 7 submissions from 7 submitters: Benign (2); Likely benign (4). 1 of the submissions does not count toward it. Last evaluated 2026-02-03.

Conditions:
Hereditary cancer-predisposing syndrome. Also called: Hereditary Cancer Syndrome; Hereditary neoplastic syndrome; Neoplastic Syndromes, Hereditary; Tumor predisposition. Identifiers: Orphanet 140162, MedGen C0027672, MeSH D009386, MONDO:0015356.
Oligodontia-cancer predisposition syndrome. Also called: TOOTH AGENESIS-COLORECTAL CANCER SYNDROME. Identifiers: Orphanet 300576, MedGen C1837750, MONDO:0012075, OMIM 608615. Disease mechanism: loss of function.
AXIN2-related disorder.

Allele frequency attached by ClinVar (database versions not stated): gnomAD 0.00001 and 0.00004; TOPMed 0.00002; gnomAD exomes 0.00003 and 0.00007; 1000 Genomes Project 30x 0.00016; ExAC 0.00016; 1000 Genomes Project 0.00020.
gnomAD v4.1: 55 of 1,570,386 alleles (0.0035%); highest among the groups gnomAD compares: South Asian, 0.045%; no homozygotes.

Submissions (7):

Labcorp Genetics (formerly Invitae), Labcorp
Classification: Likely benign for Oligodontia-cancer predisposition syndrome. Last evaluated: 2026-02-03. Review status: criteria provided, single submitter. Criteria: Invitae Variant Classification Sherloc (09022015). Collection method: clinical testing. Allele origin: germline.

KCCC/NGS Laboratory, Kuwait Cancer Control Center
Classification: Benign for Oligodontia-cancer predisposition syndrome. Last evaluated: 2025-02-01. Review status: criteria provided, single submitter. Criteria: ACMG Guidelines, 2015. Collection method: clinical testing. Allele origin: germline. Affected: no.

Myriad Genetics, Inc.
Classification: Benign for Oligodontia-cancer predisposition syndrome. Last evaluated: 2024-07-02. Review status: criteria provided, single submitter. Criteria: Myriad Autosomal Dominant, Autosomal Recessive and X-Linked Classification Criteria (2023). Collection method: clinical testing. Allele origin: unknown.
Comment: This variant is considered benign. This variant is a silent/synonymous amino acid change and it is not expected to impact splicing.

Sema4
Classification: Likely benign for Hereditary cancer-predisposing syndrome. Last evaluated: 2020-07-28. Review status: criteria provided, single submitter. Criteria: Sema4 Curation Guidelines. Collection method: curation. Allele origin: germline.

Ambry Genetics
Classification: Likely benign for Hereditary cancer-predisposing syndrome. Last evaluated: 2020-04-09. Review status: criteria provided, single submitter. Criteria: Ambry Variant Classification Scheme 2023. Collection method: clinical testing. Allele origin: germline.

GeneDx
Classification: Likely benign. Last evaluated: 2018-08-03. Review status: criteria provided, single submitter. Criteria: GeneDx Variant Classification Process June 2021. Collection method: clinical testing. Allele origin: germline. Affected: yes.

PreventionGenetics, part of Exact Sciences
Classification: Likely benign for AXIN2-related condition. Last evaluated: 2019-11-26. Review status: no assertion criteria provided. Collection method: clinical testing. Allele origin: germline. Not counted in ClinVar's aggregate classification.
Comment: This variant is classified as likely benign based on ACMG/AMP sequence variant interpretation guidelines (Richards et al. 2015 PMID: 25741868, with internal and published modifications).